The following is an entry in ClinVar:

NM_003803.4(MYOM1):c.3982C>A (p.His1328Asn)

Gene: MYOM1 (myomesin 1; minus strand). Cytogenetic location: 18p11.31.
Variant type: single nucleotide variant.
Coding change: c.3982C>A on transcript NM_003803.4 (MANE Select); coding-DNA position 3982, C replaced by A.
Protein change: p.His1328Asn; replaces histidine 1328 with asparagine.
Molecular consequence: missense variant.
Genome position (GRCh38, 1-based): chr18:3,090,685, G>T on the plus strand (C>A on the coding strand, the complement: MYOM1 is on the minus strand). VCF-style: chr18-3090685-G-T. GRCh37 (hg19) VCF-style: chr18-3090683-G-T.
Other names: c.3694C>A, p.His1232Asn (NM_019856.2); short protein forms H1232N, H1328N.
Identifiers: ClinVar variation 2055702 (VCV002055702.4), dbSNP rs376167744, ClinGen allele CA8874111.

ClinVar aggregate classification (germline): Uncertain significance (1 of 4 stars; one submission).

Conditions:
Hypertrophic cardiomyopathy. Also called: HYPERTROPHIC MYOCARDIOPATHY. Identifiers: Orphanet 217569, MedGen C0007194, MeSH D002312, MONDO:0005045, HP:0001639.

Allele frequency attached by ClinVar (database versions not stated): ExAC 0.00002; gnomAD 0.00002; ESP Exome Variant Server 0.00008; TOPMed 0.00002.
gnomAD v4.1: 27 of 1,613,822 alleles (0.0017%); highest among the groups gnomAD compares: Middle Eastern, 0.099%; no homozygotes.

Submission:

Labcorp Genetics (formerly Invitae), Labcorp
Classification: Uncertain significance for Hypertrophic cardiomyopathy. Last evaluated: 2024-08-27. Review status: criteria provided, single submitter. Criteria: Invitae Variant Classification Sherloc (09022015). Collection method: clinical testing. Allele origin: germline.
Comment: This sequence change replaces histidine, which is basic and polar, with asparagine, which is neutral and polar, at codon 1328 of the MYOM1 protein (p.His1328Asn). This variant is present in population databases (rs376167744, gnomAD 0.004%). This variant has not been reported in the literature in individuals affected with MYOM1-related conditions. ClinVar contains an entry for this variant (Variation ID: 2055702). Invitae Evidence Modeling of protein sequence and biophysical properties (such as structural, functional, and spatial information, amino acid conservation, physicochemical variation, residue mobility, and thermodynamic stability) indicates that this missense variant is not expected to disrupt MYOM1 protein function with a negative predictive value of 80%. In summary, the available evidence is currently insufficient to determine the role of this variant in disease. Therefore, it has been classified as a Variant of Uncertain Significance.